The following is an entry in ClinVar:

ClinVar aggregate classification (germline): Uncertain significance (1 of 4 stars; one submission).

Conditions:
SLC25A46-related disorder. Also called: SLC25A46-related condition.

Submission:

PreventionGenetics, part of Exact Sciences
Classification: Uncertain significance for SLC25A46-related condition. Last evaluated: 2025-09-24. Review status: criteria provided, single submitter. Criteria: ACMG Guidelines, 2015. Collection method: clinical testing. Allele origin: germline.
Comment: The SLC25A46 c.1148_1149dupTT variant is predicted to result in a frameshift and premature protein termination (p.Gly384Leufs*11). To our knowledge, this variant has not been reported in the literature or in a large population database, indicating this variant is rare. This variant occurs in the last exon of the SLC25A46 gene and may escape nonsense mediated decay (Lindeboom et al. 2016. PubMed ID:27618451). Although we suspect that this variant may be pathogenic, at this time, the clinical significance of this variant is uncertain due to the absence of conclusive functional and genetic evidence.

NM_138773.4(SLC25A46):c.1148_1149dup (p.Gly384fs)

Gene: SLC25A46 (solute carrier family 25 member 46; plus strand). Cytogenetic location: 5q22.1.
Variant type: Duplication.
Coding change: c.1148_1149dup on transcript NM_138773.4 (MANE Select); coding-DNA positions 1148 to 1149, 2 bases duplicated (TT; older notation c.1148_1149dupTT).
Protein change: p.Gly384fs; shifts the reading frame from glycine 384.
Molecular consequence: frameshift variant. On other transcripts: non-coding transcript variant (1).
Genome position (GRCh38, 1-based): chr5:110,761,673-110,761,674, TT duplicated; duplicating any 2 consecutive bases within chr5:110,761,672-110,761,674 gives the same sequence; the c. name uses the placement nearest the transcript's 3' end. VCF-style (leftmost placement, unchanged base first): chr5-110761671-G-GTT. GRCh37 (hg19) VCF-style: chr5-110097371-G-GTT.
Other names: c.905_906dup, p.Gly303fs (NM_001303249.3); c.875_876dup, p.Gly293fs (NM_001303250.3); short protein forms G293fs, G303fs, G384fs.
Identifiers: ClinVar variation 3348741 (VCV003348741.2).